The following is an entry in ClinVar:

NM_002470.4(MYH3):c.785C>G (p.Ala262Gly)

Gene: MYH3 (myosin heavy chain 3; minus strand). Cytogenetic location: 17p13.1.
Variant type: single nucleotide variant.
Coding change: c.785C>G on transcript NM_002470.4 (MANE Select); coding-DNA position 785, C replaced by G.
Protein change: p.Ala262Gly; replaces alanine 262 with glycine.
Molecular consequence: missense variant.
Genome position (GRCh38, 1-based): chr17:10,647,377, G>C on the plus strand (C>G on the coding strand, the complement: MYH3 is on the minus strand). VCF-style: chr17-10647377-G-C. GRCh37 (hg19) VCF-style: chr17-10550694-G-C.
Other names: short protein forms A262G.
Identifiers: ClinVar variation 2715635 (VCV002715635.3), dbSNP rs1378016379, ClinGen allele CA398178261.

ClinVar aggregate classification (germline): Uncertain significance (1 of 4 stars; one submission).

Allele frequency attached by ClinVar (database versions not stated): TOPMed below 0.00001; gnomAD 0.00001.
gnomAD v4.1: 1 of 1,614,116 alleles (0.000062%); highest among the groups gnomAD compares: Non-Finnish European, 0.000085%; no homozygotes.

Submission:

Labcorp Genetics (formerly Invitae), Labcorp
Classification: Uncertain significance. Last evaluated: 2023-04-17. Review status: criteria provided, single submitter. Criteria: Invitae Variant Classification Sherloc (09022015). Collection method: clinical testing. Allele origin: germline.
Comment: This variant has not been reported in the literature in individuals affected with MYH3-related conditions. This sequence change replaces alanine, which is neutral and non-polar, with glycine, which is neutral and non-polar, at codon 262 of the MYH3 protein (p.Ala262Gly). This variant is not present in population databases (gnomAD no frequency). Advanced modeling of protein sequence and biophysical properties (such as structural, functional, and spatial information, amino acid conservation, physicochemical variation, residue mobility, and thermodynamic stability) performed at Invitae indicates that this missense variant is not expected to disrupt MYH3 protein function. In summary, the available evidence is currently insufficient to determine the role of this variant in disease. Therefore, it has been classified as a Variant of Uncertain Significance.